The following is an entry in ClinVar:

ClinVar aggregate classification (germline): Pathogenic. Review status: criteria provided, multiple submitters, no conflicts (2 of 4 stars). 9 submissions from 9 submitters: Pathogenic (6). 3 of the submissions do not count toward it. Last evaluated 2024-10-30.

Conditions:
Early-infantile DEE. Also called: Ohtahara syndrome; Early infantile epileptic encephalopathy with suppression bursts; Early infantile epileptic encephalopathy. Identifiers: Orphanet 1934, MedGen C0393706, MONDO:0800491.
Generalized epilepsy with febrile seizures plus, type 2 (GEFSP2). Also called: GEFS+, TYPE 2. Identifiers: Orphanet 36387, MedGen C1858673, MONDO:0011461, OMIM 604403.
Severe myoclonic epilepsy in infancy (DRVT). Also called: DEVELOPMENTAL AND EPILEPTIC ENCEPHALOPATHY 6A; Severe Myoclonic Epilepsy in Infancy (SMEI); Epileptic encephalopathy, early infantile, 6 (Dravet syndrome); SEVERE MYOCLONIC EPILEPSY OF INFANCY; Dravet syndrome. Identifiers: Orphanet 33069, MedGen C0751122, MONDO:0100135, OMIM 607208.

Submissions (10):

Labcorp Genetics (formerly Invitae), Labcorp
Classification: Pathogenic for Early-infantile DEE. Last evaluated: 2024-10-30. Review status: criteria provided, single submitter. Criteria: Invitae Variant Classification Sherloc (09022015). Collection method: clinical testing. Allele origin: germline.
Comment: This sequence change replaces arginine, which is basic and polar, with cysteine, which is neutral and slightly polar, at codon 946 of the SCN1A protein (p.Arg946Cys). This variant is not present in population databases (gnomAD no frequency). This missense change has been observed in individual(s) with Dravet syndrome (PMID: 14738421, 21864321, 23195492). In at least one individual the variant was observed to be de novo. This variant is also known as R936C. ClinVar contains an entry for this variant (Variation ID: 68604). Invitae Evidence Modeling of protein sequence and biophysical properties (such as structural, functional, and spatial information, amino acid conservation, physicochemical variation, residue mobility, and thermodynamic stability) indicates that this missense variant is expected to disrupt SCN1A protein function with a positive predictive value of 95%. Experimental studies have shown that this missense change affects SCN1A function (PMID: 21864321). This variant disrupts the p.Arg946 amino acid residue in SCN1A. Other variant(s) that disrupt this residue have been determined to be pathogenic (PMID: 21371021, 21864321, 23195492, 27781031). This suggests that this residue is clinically significant, and that variants that disrupt this residue are likely to be disease-causing. For these reasons, this variant has been classified as Pathogenic.

GeneDx
Classification: Pathogenic. Last evaluated: 2022-11-30. Review status: criteria provided, single submitter. Criteria: GeneDx Variant Classification Process June 2021. Collection method: clinical testing. Allele origin: germline. Affected: yes.
Comment: Published functional studies demonstrate a damaging effect, as R946C leads to a complete loss of sodium ion channel function (Volkers et al., 2011); Not observed at significant frequency in large population cohorts (gnomAD); Missense variants in this gene are often considered pathogenic (HGMD); In silico analysis supports that this missense variant has a deleterious effect on protein structure/function; This substitution is predicted to be within the pore forming loop between the S5 and S6 transmembrane segments of the second homologous domain; This variant is associated with the following publications: (PMID: 24168886, 18804930, 16458823, 23195492, 15277629, 15508916, 21248271, 30368457, 30805006, 21864321, 26096185, 19585586, 23884151, 27781031, 30868114, 30525188, 31864146, 32090326, 29573403, 33903184, 35663268, Bosselmann2022[computational], 35231114, 14738421)

CeGaT Center for Human Genetics Tuebingen
Classification: Pathogenic. Last evaluated: 2019-03-01. Review status: criteria provided, single submitter. Criteria: CeGaT Center For Human Genetics Tuebingen Variant Classification Criteria Version 2. Collection method: clinical testing. Allele origin: germline. Affected: yes. Observed: 1 variant allele.

Athena Diagnostics
Classification: Pathogenic for Severe myoclonic epilepsy in infancy. Last evaluated: 2015-04-15. Review status: criteria provided, single submitter. Criteria: Athena Diagnostics Criteria. Collection method: clinical testing. Allele origin: germline. Inheritance: Autosomal dominant inheritance.

Center for Bioinformatics, Peking University
Classification: Pathogenic for Dravet syndrome. Last evaluated: 2014-12-20. Review status: criteria provided, single submitter. Criteria: Xu et al. (Hum Mutat. 2015). Collection method: research. Allele origin: de novo. Affected: yes. Observed: 2 variant alleles. Study: University Clinical Cooperation “985 Project” PKU-2014-1-1.
Comment: Dravet syndrome (DS) probands were recruited from the outpatient and inpatient child neurology units of Peking University First Hospital from 2005 till present. The study was approved by the Ethics Committee of Peking University First Hospital and the Institutional Review Board at Peking University. Participants or their parents provided written informed consent before enrollment. We collected a total of 267 mutations from 255 families with probands diagnosed with DS in China. All probands fulfilled the clinical diagnostic criteria.

Genetic Services Laboratory, University of Chicago
Classification: Pathogenic for Epilepsy, generalized, with febrile seizures plus, type 2. Last evaluated: 2013-11-26. Review status: criteria provided, single submitter. Criteria: ACMG Guidelines, 2007. Collection method: clinical testing. Allele origin: germline. Inheritance: Autosomal dominant inheritance. Affected: yes.

Channelopathy-Associated Epilepsy Research Center
No classification provided (evidence only). Condition: Severe myoclonic epilepsy in infancy. Review status: no classification provided. Collection method: literature only. Allele origin: not applicable. Functional consequence: Absence of peak current. Not counted in ClinVar's aggregate classification.
ClinVar note: "not provided" was previously submitted as the classification for the variant. However, the classification appeared to be based only on an observation of functional data so it was converted to no classification on 2025-07-30.

Diagnostic Laboratory, Department of Genetics, University Medical Center Groningen
Classification: Pathogenic. Review status: no assertion criteria provided. Collection method: clinical testing. Allele origin: germline. Affected: yes. Study: VKGL Data-share Consensus. Not counted in ClinVar's aggregate classification.

Joint Genome Diagnostic Labs from Nijmegen and Maastricht, Radboudumc and MUMC+
Classification: Pathogenic. Review status: no assertion criteria provided. Collection method: clinical testing. Allele origin: germline. Affected: yes. Study: VKGL Data-share Consensus. Not counted in ClinVar's aggregate classification.

UniProtKB/Swiss-Prot
No classification provided. Condition: Severe myoclonic epilepsy in infancy. Review status: no classification provided. Collection method: not provided. Allele origin: unknown. Not counted in ClinVar's aggregate classification.
Comment: Variants reported as p.Arg936Cys in PubMed 14738421

Literature cited by the submitters: PubMed 14738421 (cited by Labcorp Genetics (formerly Invitae), Labcorp and Athena Diagnostics); PubMed 21864321 (cited by 3 submitters); PubMed 23195492 (cited by Labcorp Genetics (formerly Invitae), Labcorp and Athena Diagnostics); PubMed 21371021 (cited by Labcorp Genetics (formerly Invitae), Labcorp); PubMed 27781031 (cited by Labcorp Genetics (formerly Invitae), Labcorp); PubMed 15277629 (cited by Athena Diagnostics); PubMed 15508916 (cited by Athena Diagnostics).

NM_001165963.4(SCN1A):c.2836C>T (p.Arg946Cys)

Gene: SCN1A (sodium voltage-gated channel alpha subunit 1; minus strand). Cytogenetic location: 2q24.3.
Variant type: single nucleotide variant.
Coding change: c.2836C>T on transcript NM_001165963.4 (MANE Select); coding-DNA position 2836, C replaced by T.
Protein change: p.Arg946Cys; replaces arginine 946 with cysteine.
Molecular consequence: missense variant. On other transcripts: non-coding transcript variant (1).
Genome position (GRCh38, 1-based): chr2:166,037,886, G>A on the plus strand (C>T on the coding strand, the complement: SCN1A is on the minus strand). VCF-style: chr2-166037886-G-A. GRCh37 (hg19) VCF-style: chr2-166894396-G-A.
Other names: p.R946C:CGC>TGC; c.2752C>T, p.Arg918Cys (NM_001165964.3, NM_001353957.2, NM_001353958.2); c.2836C>T, p.Arg946Cys (NM_001202435.3, NM_001353948.2); c.2803C>T, p.Arg935Cys (NM_001353949.2, NM_001353950.2, NM_001353951.2 and 2 more transcripts); c.2800C>T, p.Arg934Cys (NM_001353954.2, NM_001353955.2); c.2749C>T, p.Arg917Cys (NM_001353960.2); c.394C>T, p.Arg132Cys (NM_001353961.2); short protein forms R935C, R946C, R918C, R934C, R132C, R917C.
Identifiers: ClinVar variation 68604 (VCV000068604.61), dbSNP rs121918775, ClinGen allele CA269785.